The following is an entry in ClinVar:

ClinVar aggregate classification (germline): Pathogenic (1 of 4 stars; one submission).

Conditions:
Familial hypokalemia-hypomagnesemia (GTLMNS). Also called: POTASSIUM AND MAGNESIUM DEPLETION; HYPOMAGNESEMIA-HYPOKALEMIA, PRIMARY RENOTUBULAR, WITH HYPOCALCIURIA; gitelman syndrome. Identifiers: Orphanet 358, MedGen C0268450, MONDO:0009904, OMIM 263800.

Submission:

Natera, Inc.
Classification: Pathogenic for Gitelman syndrome. Last evaluated: 2024-11-15. Review status: criteria provided, single submitter. Criteria: Natera Variant Classification Schema (03/2026). Collection method: clinical testing. Allele origin: germline.
Comment: The c.1444-1G>A variant in SLC12A3 is a canonical splice acceptor site variant predicted to affect pre-mRNA splicing, which may result in an abnormal transcript and altered protein product. This variant is expected to result in nonsense mediated decay, truncation, or a dysfunctional protein product. This variant is rare in the general population with a frequency below the threshold expected for the associated phenotype(s). Another variant at this same site results in an alteration predicted to cause a similar molecular effect has been observed in individual(s) with the associated phenotype. Given the available evidence, this variant is classified as Pathogenic.

NM_001126108.2(SLC12A3):c.1444-1G>A

Gene: SLC12A3 (solute carrier family 12 member 3; plus strand). Cytogenetic location: 16q13.
Variant type: single nucleotide variant.
Coding change: c.1444-1G>A on transcript NM_001126108.2 (MANE Select); the canonical splice acceptor site of the intron before coding-DNA position 1444, G replaced by A.
Molecular consequence: splice acceptor variant.
Genome position (GRCh38, 1-based): chr16:56,880,129, G>A. VCF-style: chr16-56880129-G-A. GRCh37 (hg19) VCF-style: chr16-56914041-G-A.
Other names: c.1444-1G>A (NM_000339.3); c.1441-1G>A (NM_001126107.2, NM_001410896.1).
Identifiers: ClinVar variation 4818189 (VCV004818189.1).